The following is an entry in ClinVar:

NM_007118.4(TRIO):c.8249C>T (p.Thr2750Ile)

Genes: TRIO (trio Rho guanine nucleotide exchange factor; plus strand), LOC126807323 (CDK7 strongly-dependent group 2 enhancer GRCh37_chr5:14497716-14498915; plus strand). Cytogenetic location: 5p15.2.
Variant type: single nucleotide variant.
Coding change: c.8249C>T on transcript NM_007118.4 (MANE Select); coding-DNA position 8249, C replaced by T.
Protein change: p.Thr2750Ile; replaces threonine 2750 with isoleucine.
Molecular consequence: missense variant. On other transcripts: non-coding transcript variant (1).
Genome position (GRCh38, 1-based): chr5:14,498,557, C>T. VCF-style: chr5-14498557-C-T. GRCh37 (hg19) VCF-style: chr5-14498666-C-T.
Other names: short protein forms T2750I.
Identifiers: ClinVar variation 2442462 (VCV002442462.1), dbSNP rs2477619697, ClinGen allele CA359239498.
Genomic context (GRCh38, chr5:14,498,557, plus strand): 5'-TGTGTTCCCATCTGTGCCGCAGTGACCTGGGAGAGGCCACGCTGAAGATTGTGGGCGTGA[C>T]CACGGAAGATGACGGCATCTACACGTGCATCGCTGTCAATGACATGGGTTCAGCCTCATC-3'
Protein context (NP_009049.2, residues 2740-2760): GEATLKIVGV[Thr2750Ile]TEDDGIYTCI

ClinVar aggregate classification (germline): Uncertain significance (1 of 4 stars; one submission).

Allele frequency attached by ClinVar (database versions not stated): gnomAD exomes below 0.00001.
gnomAD v4.1: 1 of 1,613,726 alleles (0.000062%); highest among the groups gnomAD compares: Non-Finnish European, 0.000085%; no homozygotes.

Submission:

GeneDx
Classification: Uncertain significance. Last evaluated: 2022-09-02. Review status: criteria provided, single submitter. Criteria: GeneDx Variant Classification Process June 2021. Collection method: clinical testing. Allele origin: germline. Affected: yes.
Comment: Not observed at significant frequency in large population cohorts (gnomAD); In silico analysis supports that this missense variant does not alter protein structure/function; Has not been previously published as pathogenic or benign to our knowledge